The following is an entry in ClinVar:

NM_012254.3(SLC27A5):c.1550G>A (p.Arg517Gln)

Genes: SLC27A5 (solute carrier family 27 member 5; minus strand), LOC130065229 (ATAC-STARR-seq lymphoblastoid active region 15205; plus strand). Cytogenetic location: 19q13.43.
Variant type: single nucleotide variant.
Coding change: c.1550G>A on transcript NM_012254.3 (MANE Select); coding-DNA position 1550, G replaced by A.
Protein change: p.Arg517Gln; replaces arginine 517 with glutamine.
Molecular consequence: missense variant.
Genome position (GRCh38, 1-based): chr19:58,499,609, C>T on the plus strand (G>A on the coding strand, the complement: SLC27A5 is on the minus strand). VCF-style: chr19-58499609-C-T. GRCh37 (hg19) VCF-style: chr19-59010976-C-T.
Other names: c.1298G>A, p.Arg433Gln (NM_001321196.2); short protein forms R517Q, R433Q.
Identifiers: ClinVar variation 4989436 (VCV004989436.1).
Genomic context (GRCh38, chr19:58,499,609, plus strand): 5'-AGTACGTCCCCGGTGTTGTAGTAAACGTCGCCCGATTGCCGCACGTTGCGCACCAGCTTC[C>T]GTTCCGACAGCTCTCGGGGGCCGCGGTAGCCCACGAAGGGTTGCTGGCTTACCACCTTGG-3'
Protein context (NP_036386.1, residues 507-527): GYRGPRELSE[Arg517Gln]KLVRNVRQSG

ClinVar aggregate classification (germline): Uncertain significance (1 of 4 stars; one submission).

Conditions:
SLC27A5-related disorder. Also called: SLC27A5-related condition.

gnomAD v4.1: 6 of 1,613,102 alleles (0.00037%); highest among the groups gnomAD compares: South Asian, 0.0011%; no homozygotes.

Submission:

PreventionGenetics, part of Exact Sciences
Classification: Uncertain significance for SLC27A5-related condition. Last evaluated: 2026-08-31. Review status: criteria provided, single submitter. Criteria: ACMG Guidelines, 2015. Collection method: clinical testing. Allele origin: germline.
Comment: The SLC27A5 c.1550G>A variant is predicted to result in the amino acid substitution p.Arg517Gln. To our knowledge, this variant has not been reported in the literature or in a large population database (gnomAD), indicating this variant is rare. At this time, the clinical significance of this variant is uncertain due to the absence of conclusive functional and genetic evidence.